The following is an entry in ClinVar:

ClinVar aggregate classification (germline): Uncertain significance (1 of 4 stars; one submission).

Conditions:
Spastic paraplegia. Identifiers: MedGen C0037772, HP:0001258.

Submission:

Labcorp Genetics (formerly Invitae), Labcorp
Classification: Uncertain significance for Spastic paraplegia. Last evaluated: 2022-12-18. Review status: criteria provided, single submitter. Criteria: Invitae Variant Classification Sherloc (09022015). Collection method: clinical testing. Allele origin: germline.
Comment: This sequence change replaces aspartic acid, which is acidic and polar, with tyrosine, which is neutral and polar, at codon 182 of the KIF5A protein (p.Asp182Tyr). This variant is not present in population databases (gnomAD no frequency). This variant has not been reported in the literature in individuals affected with KIF5A-related conditions. Advanced modeling of protein sequence and biophysical properties (such as structural, functional, and spatial information, amino acid conservation, physicochemical variation, residue mobility, and thermodynamic stability) has been performed at Invitae for this missense variant, however the output from this modeling did not meet the statistical confidence thresholds required to predict the impact of this variant on KIF5A protein function. In summary, the available evidence is currently insufficient to determine the role of this variant in disease. Therefore, it has been classified as a Variant of Uncertain Significance.

NM_004984.4(KIF5A):c.544G>T (p.Asp182Tyr)

Gene: KIF5A (kinesin family member 5A; plus strand). Cytogenetic location: 12q13.3.
Variant type: single nucleotide variant.
Coding change: c.544G>T on transcript NM_004984.4 (MANE Select); coding-DNA position 544, G replaced by T.
Protein change: p.Asp182Tyr; replaces aspartic acid 182 with tyrosine.
Molecular consequence: missense variant.
Genome position (GRCh38, 1-based): chr12:57,567,168, G>T. VCF-style: chr12-57567168-G-T. GRCh37 (hg19) VCF-style: chr12-57960951-G-T.
Other names: c.277G>T, p.Asp93Tyr (NM_001354705.2); short protein forms D182Y, D93Y.
Identifiers: ClinVar variation 2821982 (VCV002821982.3), dbSNP rs1882089004, ClinGen allele CA385497770.
Genomic context (GRCh38, chr12:57,567,168, plus strand): 5'-TCCATTTGTCCCCCACAGGGTTGTACTGAACGCTTTGTGTCCAGCCCGGAGGAGATTCTG[G>T]ATGTGATTGATGAAGGGAAATCAAATCGTCATGTGGCTGTCACCAGTGAGTGAGGATACA-3'
Protein context (NP_004975.2, residues 172-192): RFVSSPEEIL[Asp182Tyr]VIDEGKSNRH